The following is an entry in ClinVar:

NM_032578.4(MYPN):c.281C>G (p.Thr94Ser)

Gene: MYPN (myopalladin; plus strand). Cytogenetic location: 10q21.3.
Variant type: single nucleotide variant.
Coding change: c.281C>G on transcript NM_032578.4 (MANE Select); coding-DNA position 281, C replaced by G.
Protein change: p.Thr94Ser; replaces threonine 94 with serine.
Molecular consequence: missense variant. On other transcripts: 5 prime UTR variant (1), non-coding transcript variant (1).
Genome position (GRCh38, 1-based): chr10:68,121,719, C>G. VCF-style: chr10-68121719-C-G. GRCh37 (hg19) VCF-style: chr10-69881476-C-G.
Other names: c.281C>G, p.Thr94Ser (NM_001256267.2); c.-842C>G (NM_001256268.2); short protein forms T94S.
Identifiers: ClinVar variation 691722 (VCV000691722.9), dbSNP rs377389861, ClinGen allele CA5522249.
Genomic context (GRCh38, chr10:68,121,719, plus strand): 5'-AAAGTGTCAATTTGGCAAGACTGGCCATCAATTACGACCCTTTGGAGAAGGCAGATGAAA[C>G]TCAAGCTAGAAAACGACTTTCTCCTGATCAGATGAAACACTCACCTAATTTAAGTTTTGA-3'
Protein context (NP_115967.2, residues 84-104): NYDPLEKADE[Thr94Ser]QARKRLSPDQ

ClinVar aggregate classification (germline): Conflicting classifications of pathogenicity. Review status: criteria provided, conflicting classifications (1 of 4 stars). 3 submissions from 3 submitters: Uncertain significance (2); Likely benign (1). Last evaluated 2022-08-31.

Conditions:
Long QT syndrome (LQTS). Identifiers: MedGen C0023976, MeSH D008133, MONDO:0002442. Disease mechanism: loss of function. Inheritance: Various modes of inheritance.
Cardiovascular phenotype. Identifiers: MedGen CN230736.
Dilated cardiomyopathy 1KK (CMD1KK). Identifiers: Orphanet 154, Orphanet 75249, MedGen C3714995, MONDO:0014100, OMIM 615248.

Allele frequency attached by ClinVar (database versions not stated): gnomAD exomes below 0.00001; ExAC 0.00001; gnomAD 0.00002; TOPMed 0.00002; ESP Exome Variant Server 0.00008.
gnomAD v4.1: 8 of 1,614,084 alleles (0.0005%); highest among the groups gnomAD compares: Non-Finnish European, 0.00068%; no homozygotes.

Submissions (3):

Labcorp Genetics (formerly Invitae), Labcorp
Classification: Uncertain significance for Dilated cardiomyopathy 1KK. Last evaluated: 2022-08-31. Review status: criteria provided, single submitter. Criteria: Invitae Variant Classification Sherloc (09022015). Collection method: clinical testing. Allele origin: germline.
Comment: This sequence change replaces threonine, which is neutral and polar, with serine, which is neutral and polar, at codon 94 of the MYPN protein (p.Thr94Ser). This variant is present in population databases (rs377389861, gnomAD 0.0009%). This variant has not been reported in the literature in individuals affected with MYPN-related conditions. ClinVar contains an entry for this variant (Variation ID: 691722). Algorithms developed to predict the effect of missense changes on protein structure and function output the following: SIFT: "Tolerated"; PolyPhen-2: "Benign"; Align-GVGD: "Class C0". The serine amino acid residue is found in multiple mammalian species, which suggests that this missense change does not adversely affect protein function. In summary, the available evidence is currently insufficient to determine the role of this variant in disease. Therefore, it has been classified as a Variant of Uncertain Significance.

Ambry Genetics
Classification: Uncertain significance for Cardiovascular phenotype. Last evaluated: 2021-11-09. Review status: criteria provided, single submitter. Criteria: Ambry Variant Classification Scheme 2023. Collection method: clinical testing. Allele origin: germline.
Comment: The p.T94S variant (also known as c.281C>G), located in coding exon 1 of the MYPN gene, results from a C to G substitution at nucleotide position 281. The threonine at codon 94 is replaced by serine, an amino acid with similar properties. This amino acid position is conserved. In addition, this alteration is predicted to be tolerated by in silico analysis. Since supporting evidence is limited at this time, the clinical significance of this alteration remains unclear.

Center for Advanced Laboratory Medicine, UC San Diego Health, University of California San Diego
Classification: Likely benign for Long QT Syndrome. Last evaluated: 2018-01-23. Review status: criteria provided, single submitter. Criteria: ACMG Guidelines, 2015. Collection method: clinical testing. Allele origin: germline. Affected: yes. Observed: 1 variant allele.